The following is an entry in ClinVar:

ClinVar aggregate classification (germline): Pathogenic/Likely pathogenic. Review status: criteria provided, multiple submitters, no conflicts (2 of 4 stars). 11 submissions from 11 submitters: Pathogenic (10); Likely pathogenic (1). Last evaluated 2025-11-25.

Conditions:
Hypertrophic cardiomyopathy. Also called: HYPERTROPHIC MYOCARDIOPATHY. Identifiers: Orphanet 217569, MedGen C0007194, MeSH D002312, MONDO:0005045, HP:0001639.
Restrictive cardiomyopathy. Identifiers: Orphanet 217632, MedGen C0007196, MeSH D002313, MONDO:0005201, HP:0001723.
Cardiovascular phenotype. Identifiers: MedGen CN230736.
Dilated cardiomyopathy 1S (CMD1S). Identifiers: Orphanet 154, Orphanet 54260, MedGen C1834481, MONDO:0013262, OMIM 613426.
Hypertrophic cardiomyopathy 1 (CMH1). Also called: Familial hypertrophic cardiomyopathy 1; MYH7-Related Familial Hypertrophic Cardiomyopathy. Identifiers: MedGen C3495498, MONDO:0008647, OMIM 192600.
Cardiomyopathy (CMYO). Also called: Cardiomyopathies. Identifiers: Orphanet 167848, MedGen C0878544, MONDO:0004994, HP:0001638. Inheritance: Various modes of inheritance.
Primary familial hypertrophic cardiomyopathy (HCM). Identifiers: Orphanet 99739, MedGen C0949658, MeSH D024741, MONDO:0024573. Inheritance: Various modes of inheritance.

gnomAD v4.1: 1 of 1,614,160 alleles (0.000062%); no homozygotes.

Submissions (11):

Labcorp Genetics (formerly Invitae), Labcorp
Classification: Pathogenic for Hypertrophic cardiomyopathy. Last evaluated: 2025-11-25. Review status: criteria provided, single submitter. Criteria: Invitae Variant Classification Sherloc (09022015). Collection method: clinical testing. Allele origin: germline.
Comment: This sequence change replaces glycine, which is neutral and non-polar, with arginine, which is basic and polar, at codon 768 of the MYH7 protein (p.Gly768Arg). This variant is not present in population databases (gnomAD no frequency). This missense change has been observed in individuals with hypertrophic cardiomyopathy (HCM) and restrictive cardiomyopathy (RCM) (PMID: 12707239, 18076673, 20394946, 20800588, 22260945, 25935763; internal data). It has also been observed to segregate with disease in related individuals. ClinVar contains an entry for this variant (Variation ID: 164337). Invitae Evidence Modeling of protein sequence and biophysical properties (such as structural, functional, and spatial information, amino acid conservation, physicochemical variation, residue mobility, and thermodynamic stability) indicates that this missense variant is expected to disrupt MYH7 protein function with a positive predictive value of 95%. This variant is found within a region of MYH7 between codons 181 and 937 that contains the majority of the myosin head domain. Missense variants in this region have been shown to be significantly overrepresented in individuals with hypertrophic cardiomyopathy (PMID: 27532257). For these reasons, this variant has been classified as Pathogenic.

Women's Health and Genetics/Laboratory Corporation of America, LabCorp
Classification: Pathogenic for Primary familial hypertrophic cardiomyopathy. Last evaluated: 2025-07-07. Review status: criteria provided, single submitter. Criteria: LabCorp Variant Classification Summary - May 2015. Collection method: clinical testing. Allele origin: germline.
Comment: Variant summary: MYH7 c.2302G>A (p.Gly768Arg) results in a non-conservative amino acid change in the encoded protein sequence. Algorithms developed to predict the effect of missense changes on protein structure and function all suggest that this variant is likely to be disruptive. The variant was absent in 251408 control chromosomes. c.2302G>A has been observed in multiple related individual(s) affected with Hypertrophic Cardiomyopathy (Wang_2019), segregating with disease. These data indicate that the variant is likely to be associated with disease. A different variant resulting in the same amino acid consequence has been classified as likely pathogenic/pathogenic by our lab (c.2302G>C), supporting the pathogenicity of this variant. The following publication has been ascertained in the context of this evaluation (PMID: 30745532). ClinVar contains an entry for this variant (Variation ID: 164337). Based on the evidence outlined above, the variant was classified as pathogenic.

Ambry Genetics
Classification: Pathogenic for Cardiovascular phenotype. Last evaluated: 2024-05-14. Review status: criteria provided, single submitter. Criteria: Ambry Variant Classification Scheme 2023. Collection method: clinical testing. Allele origin: germline.
Comment: The p.G768R pathogenic mutation (also known as c.2302G>A), located in coding exon 19 of the MYH7 gene, results from a G to A substitution at nucleotide position 2302. The glycine at codon 768 is replaced by arginine, an amino acid with dissimilar properties. This alteration is located in the myosin head domain, which contains a statistically significant clustering of pathogenic missense variants (Homburger JR et al. Proc Natl Acad Sci U S A, 2016 06;113:6701-6; Walsh R et al. Genet Med, 2017 02;19:192-203; Ambry internal data). This alteration has been reported in multiple individuals, including a pair of monozygotic twins, with hypertrophic cardiomyopathy (HCM), and once as a de novo occurrence in an individual with restrictive cardiomyopathy (RCM) (Ho CY et al. Circ Cardiovasc Imaging, 2013 May;6:415-22; Garc&iacute;a-Giustiniani D et al. Heart, 2015 Jul;101:1047-53; Walsh R et al. Genet. Med., 2017 02;19:192-203; Wang J et al. Int Heart J, 2019 Mar;60:477-481; Franaszczyk M et al. J Clin Med, 2020 Jan;9). In addition, a different alteration located at the same position, resulting in the same protein change, c.2302G>C (p.G768R), has been reported in individuals with HCM and RCM (Miller EM et al. J Genet Couns, 2013 Apr;22:258-67; Cecconi M et al. Int. J. Mol. Med., 2016 Oct;38:1111-24; Ware SM et al. Clin. Genet., 2008 Feb;73:165-70; Hinton RB et al. J. Pediatr., 2010 Jul;157:164-6). This amino acid position is highly conserved in available vertebrate species. In addition, this alteration is predicted to be deleterious by in silico analysis. This variant is considered to be rare based on population cohorts in the Genome Aggregation Database (gnomAD). Based on the supporting evidence, this alteration is interpreted as a disease-causing mutation.

GeneDx
Classification: Pathogenic. Last evaluated: 2022-02-17. Review status: criteria provided, single submitter. Criteria: GeneDx Variant Classification Process June 2021. Collection method: clinical testing. Allele origin: germline. Affected: yes.
Comment: Found to segregate with HCM in two unrelated families referred for genetic testing at GeneDx and reported to segregate with an HCM or RCM phenotype with the age of onset ranging from infancy to adulthood in the published literature (Hinton et al., 2010); Not observed at significant frequency in large population cohorts (gnomAD); In silico analysis supports that this missense variant has a deleterious effect on protein structure/function; This variant is associated with the following publications: (PMID: 23054336, 25524337, 34057638, 33429969, 31324451, 31737537, 25935763, 17125710, 20738943, 22260945, 23690394, 23549607, 18076673, 22555271, 20031602, 27247418, 20624503, 27600940, 28606303, 27532257, 28831623, 30165862, 30745532, 32013205, 20394946, 27535533, 12707239, 33906374, 33658374, 29300372)

CHEO Genetics Diagnostic Laboratory, Children's Hospital of Eastern Ontario
Classification: Pathogenic for Cardiomyopathy. Last evaluated: 2021-11-25. Review status: criteria provided, single submitter. Criteria: ACMG Guidelines, 2015. Collection method: clinical testing. Allele origin: germline.

CeGaT Center for Human Genetics Tuebingen
Classification: Likely pathogenic. Last evaluated: 2020-09-01. Review status: criteria provided, single submitter. Criteria: CeGaT Center For Human Genetics Tuebingen Variant Classification Criteria Version 2. Collection method: clinical testing. Allele origin: germline. Affected: yes. Observed: 1 variant allele.

Cambridge Genomics Laboratory, East Genomic Laboratory Hub, NHS Genomic Medicine Service
Classification: Pathogenic for Hypertrophic cardiomyopathy. Last evaluated: 2020-01-21. Review status: criteria provided, single submitter. Criteria: ACGS Best Practice Guidelines for Variant Classification in Rare Disease 2020. Collection method: clinical testing. Allele origin: germline. Affected: yes. Observed: 1 variant allele.

Laboratory for Molecular Medicine, Mass General Brigham Personalized Medicine
Classification: Pathogenic for Hypertrophic cardiomyopathy; Restrictive cardiomyopathy. Last evaluated: 2017-09-04. Review status: criteria provided, single submitter. Criteria: LMM Criteria. Collection method: clinical testing. Allele origin: germline. Inheritance: Autosomal dominant inheritance. Observed: 16 variant alleles.
Comment: The p.Gly768Arg variant in MYH7 has been reported in 13 individuals with HCM, HC M with RCM, HCM with LVNC, or RCM, and segregated with disease in 5 affected rel atives from 3 families (Richard 2003, Laredo 2006, Ware 2008, Hinton 2010, Ho 20 13, Walsh 2014, Coppini 2014, Garcia-Giustiniani 2015, LMM data). It has not bee n identified in large population studies. Glycine (Gly) at position 768 is highl y conserved in mammals and across evolutionarily distant species and the change to arginine (Arg) was predicted to be pathogenic using a computational tool clin ically validated by our laboratory. This tool's pathogenic prediction is estimat ed to be correct 94% of the time (Jordan 2011). In summary, this variant meets c riteria to be classified as pathogenic for cardiomyopathy in an autosomal domina nt manner based upon prevalence in affected probands, segregation with disease, predicted functional impact, and extremely low frequency in the general populati on.

Phosphorus, Inc.
Classification: Pathogenic for Hypertrophic cardiomyopathy 1. Last evaluated: 2017-08-01. Review status: criteria provided, single submitter. Criteria: ACMG Guidelines, 2015. Collection method: clinical testing. Allele origin: germline. Observed: 1 variant allele.

Stanford Center for Inherited Cardiovascular Disease, Stanford University
Classification: Pathogenic. Last evaluated: 2012-01-18. Review status: criteria provided, single submitter. Criteria: ACMG Guidelines, 2015. Collection method: provider interpretation. Allele origin: germline.

Juno Genomics, Hangzhou Juno Genomics, Inc
Classification: Pathogenic for Dilated cardiomyopathy 1S; Hypertrophic cardiomyopathy 1. Review status: criteria provided, single submitter. Criteria: ACMG Guidelines, 2015. Collection method: clinical testing. Allele origin: germline.
Comment: Absent from controls (or at extremely low frequency if recessive) in Genome Aggregation Database.;Multiple lines of computational evidence support a deleterious effect on the gene or gene product.;The prevalence of the variant in affected individuals is significantly increased compared to the prevalence in controls.;Co-segregation with disease in multiple affected family members.;Same amino acid change as a previously established pathogenic variant regardless of nucleotide change.

Literature cited by the submitters: PubMed 12707239 (cited by 4 submitters); PubMed 18076673 (cited by 4 submitters); PubMed 20394946 (cited by 4 submitters); PubMed 20800588 (cited by 4 submitters); PubMed 22260945 (cited by 4 submitters); PubMed 25935763 (cited by 4 submitters); PubMed 27532257 (cited by 3 submitters); PubMed 30745532 (cited by Women's Health and Genetics/Laboratory Corporation of America, LabCorp and Ambry Genetics); PubMed 23549607 (cited by 3 submitters); PubMed 23690394 (cited by 3 submitters); PubMed 25125180 (cited by Ambry Genetics); PubMed 25524337 (cited by 3 submitters); PubMed 27247418 (cited by Ambry Genetics and Phosphorus, Inc.); PubMed 27600940 (cited by Ambry Genetics); PubMed 28067235 (cited by Ambry Genetics); PubMed 28606303 (cited by Ambry Genetics); PubMed 30105547 (cited by Ambry Genetics); PubMed 32013205 (cited by Ambry Genetics); PubMed 17125710 (cited by Laboratory for Molecular Medicine, Mass General Brigham Personalized Medicine and Phosphorus, Inc.); PubMed 25611685 (cited by Phosphorus, Inc.).

NM_000257.4(MYH7):c.2302G>A (p.Gly768Arg)

Genes: MYH7 (myosin heavy chain 7; minus strand), LOC126861898 (BRD4-independent group 4 enhancer GRCh37_chr14:23893609-23894808; plus strand). Cytogenetic location: 14q11.2.
Variant type: single nucleotide variant.
Coding change: c.2302G>A on transcript NM_000257.4 (MANE Select); coding-DNA position 2302, G replaced by A.
Protein change: p.Gly768Arg; replaces glycine 768 with arginine.
Molecular consequence: missense variant.
Genome position (GRCh38, 1-based): chr14:23,425,403, C>T on the plus strand (G>A on the coding strand, the complement: MYH7 is on the minus strand). VCF-style: chr14-23425403-C-T. GRCh37 (hg19) VCF-style: chr14-23894612-C-T.
Other names: p.G768R:GGG>AGG; short protein forms G768R.
Identifiers: ClinVar variation 164337 (VCV000164337.64), dbSNP rs727503260, ClinGen allele CA012108.
Genomic context (GRCh38, chr14:23,425,403, plus strand): 5'-TACGCGTGATGATGCGGCTCAGCCTCTCGTCCCTCATTTCCTCCAGCAGCCCCAGCAGCC[C>T]GGCCTTGAAGAACACCTGCAGGCAAGGTGTGTGTTGGCCATGACTAGGGAGGGGTACGAG-3'
Protein context (NP_000248.2, residues 758-778): FGHTKVFFKA[Gly768Arg]LLGLLEEMRD